The following is an entry in ClinVar:

NM_000330.4(RS1):c.325G>T (p.Gly109Trp)

Genes: CDKL5 (cyclin dependent kinase like 5; plus strand), RS1 (retinoschisin 1; minus strand). Cytogenetic location: Xp22.13.
Variant type: single nucleotide variant.
Coding change: c.325G>T on transcript NM_000330.4 (MANE Select); coding-DNA position 325, G replaced by T.
Protein change: p.Gly109Trp; replaces glycine 109 with tryptophan.
Molecular consequence: missense variant. On other transcripts: intron variant (2).
Genome position (GRCh38, 1-based): chrX:18,647,192, C>A on the plus strand (G>T on the coding strand, the complement: RS1 is on the minus strand). VCF-style: chrX-18647192-C-A. GRCh37 (hg19) VCF-style: chrX-18665312-C-A.
Other names: c.2797+1102C>A (NM_003159.3, NM_001037343.2); short protein forms G109W.
Identifiers: ClinVar variation 98935 (VCV000098935.9), dbSNP rs104894934, ClinGen allele CA226681.

ClinVar aggregate classification (germline): Pathogenic. Review status: criteria provided, multiple submitters, no conflicts (2 of 4 stars). 4 submissions from 4 submitters: Pathogenic (3). 1 of the submissions does not count toward it. Last evaluated 2025-06-20.

Conditions:
RS1-related disorder. Also called: RS1-related condition.
Juvenile retinoschisis (RS1). Also called: X-Linked Juvenile Retinoschisis; X-linked retinoschisis. Identifiers: Orphanet 792, MedGen C3714753, MONDO:0010725, OMIM 312700.

Submissions (4):

North West Genomic Laboratory Hub, Manchester University NHS Foundation Trust
Classification: Pathogenic for Juvenile retinoschisis. Last evaluated: 2025-06-20. Review status: criteria provided, single submitter. Criteria: ACGS Best Practice Guidelines for Variant Classification in Rare Disease 2024. Collection method: clinical testing. Allele origin: germline. Affected: yes.
Comment: PP3_Supp PM2_Mod PP4_Supp PM1_Mod PM5_Mod PS4_Mod

Labcorp Genetics (formerly Invitae), Labcorp
Classification: Pathogenic. Last evaluated: 2022-10-16. Review status: criteria provided, single submitter. Criteria: Invitae Variant Classification Sherloc (09022015). Collection method: clinical testing. Allele origin: germline.
Comment: Algorithms developed to predict the effect of missense changes on protein structure and function are either unavailable or do not agree on the potential impact of this missense change (SIFT: "Deleterious"; PolyPhen-2: "Probably Damaging"; Align-GVGD: "Class C15"). This variant disrupts the p.Gly109 amino acid residue in RS1. Other variant(s) that disrupt this residue have been determined to be pathogenic (PMID: 9326935, 28348004, 30652005, 31087526; Invitae). This suggests that this residue is clinically significant, and that variants that disrupt this residue are likely to be disease-causing. For these reasons, this variant has been classified as Pathogenic. This variant is not present in population databases (gnomAD no frequency). This sequence change replaces glycine, which is neutral and non-polar, with tryptophan, which is neutral and slightly polar, at codon 109 of the RS1 protein (p.Gly109Trp). This missense change has been observed in individual(s) with clinical features of RS1-related conditions and/or retinoschisis (PMID: 10450864, 17296904, 28348004; Invitae). ClinVar contains an entry for this variant (Variation ID: 98935).

Blueprint Genetics
Classification: Pathogenic for RS1-related disorders. Last evaluated: 2022-06-22. Review status: criteria provided, single submitter. Criteria: ACMG Guidelines, 2015. Collection method: clinical testing. Allele origin: germline. Affected: yes. Observed: 2 variant alleles.

Retina International
No classification provided. Review status: no classification provided. Collection method: not provided. Allele origin: unknown. Not counted in ClinVar's aggregate classification.

Literature cited by the submitters: PubMed 9326935 (cited by Labcorp Genetics (formerly Invitae), Labcorp); PubMed 28348004 (cited by Labcorp Genetics (formerly Invitae), Labcorp); PubMed 30652005 (cited by Labcorp Genetics (formerly Invitae), Labcorp); PubMed 31087526 (cited by Labcorp Genetics (formerly Invitae), Labcorp); PubMed 10450864 (cited by Labcorp Genetics (formerly Invitae), Labcorp); PubMed 17296904 (cited by Labcorp Genetics (formerly Invitae), Labcorp).